The following is an entry in ClinVar:

NM_018089.3(ANKZF1):c.1388A>T (p.Gln463Leu)

Gene: ANKZF1 (ankyrin repeat and zinc finger peptidyl tRNA hydrolase 1; plus strand). Cytogenetic location: 2q35.
Variant type: single nucleotide variant.
Coding change: c.1388A>T on transcript NM_018089.3 (MANE Select); coding-DNA position 1388, A replaced by T.
Protein change: p.Gln463Leu; replaces glutamine 463 with leucine.
Molecular consequence: missense variant.
Genome position (GRCh38, 1-based): chr2:219,235,009, A>T. VCF-style: chr2-219235009-A-T. GRCh37 (hg19) VCF-style: chr2-220099731-A-T.
Other names: c.1388A>T (NM_018089.2); c.1388A>T, p.Gln463Leu (NM_001042410.2); c.758A>T, p.Gln253Leu (NM_001282792.2); short protein forms Q253L, Q463L.
Identifiers: ClinVar variation 2908147 (VCV002908147.4), dbSNP rs1411520603, ClinGen allele CA350680959.

ClinVar aggregate classification (germline): Uncertain significance. Review status: criteria provided, multiple submitters, no conflicts (2 of 4 stars). 2 submissions from 2 submitters: Uncertain significance (2). Last evaluated 2025-01-04.

Allele frequency attached by ClinVar (database versions not stated): TOPMed 0.00001.
gnomAD v4.1: 7 of 1,614,134 alleles (0.00043%); highest among the groups gnomAD compares: Admixed American, 0.0033%; no homozygotes.

Submissions (2):

Ambry Genetics
Classification: Uncertain significance. Last evaluated: 2025-01-04. Review status: criteria provided, single submitter. Criteria: Ambry Variant Classification Scheme 2023. Collection method: clinical testing. Allele origin: germline.

Labcorp Genetics (formerly Invitae), Labcorp
Classification: Uncertain significance. Last evaluated: 2024-11-05. Review status: criteria provided, single submitter. Criteria: Invitae Variant Classification Sherloc (09022015). Collection method: clinical testing. Allele origin: germline.
Comment: This sequence change replaces glutamine, which is neutral and polar, with leucine, which is neutral and non-polar, at codon 463 of the ANKZF1 protein (p.Gln463Leu). This variant is present in population databases (no rsID available, gnomAD 0.006%). This variant has not been reported in the literature in individuals affected with ANKZF1-related conditions. ClinVar contains an entry for this variant (Variation ID: 2908147). An algorithm developed to predict the effect of missense changes on protein structure and function outputs the following: PolyPhen-2: "Benign". The leucine amino acid residue is found in multiple mammalian species, which suggests that this missense change does not adversely affect protein function. In summary, the available evidence is currently insufficient to determine the role of this variant in disease. Therefore, it has been classified as a Variant of Uncertain Significance.